The following is an entry in ClinVar:

ClinVar aggregate classification (germline): not provided (0 of 4 stars; one submission).

Conditions:
Familial long QT syndrome (RWS). Also called: Congenital long QT syndrome; Romano-Ward syndrome; VENTRICULAR FIBRILLATION WITH PROLONGED QT INTERVAL. Identifiers: Orphanet 768, MedGen C1141890, MONDO:0019171.

Submission:

Cardiovascular Biomedical Research Unit, Royal Brompton & Harefield NHS Foundation Trust
No classification provided. Condition: Familial long QT syndrome. Review status: no classification provided. Collection method: literature only. Allele origin: germline.
Comment: This variant has been reported as associated with Long QT syndrome in the following publications (PMID:10220144;PMID:12566525;PMID:17470695). This is a literature report, and does not necessarily reflect the clinical interpretation of the Imperial College / Royal Brompton Cardiovascular Genetics laboratory.

Literature cited by the submitters: PubMed 10220144; PubMed 12566525; PubMed 17470695; PubMed 22581653.

NM_000218.3(KCNQ1):c.1117T>C (p.Ser373Pro)

Gene: KCNQ1 (potassium voltage-gated channel subfamily Q member 1; plus strand). Cytogenetic location: 11p15.5.
Variant type: single nucleotide variant.
Coding change: c.1117T>C on transcript NM_000218.3 (MANE Select); coding-DNA position 1117, T replaced by C.
Protein change: p.Ser373Pro; replaces serine 373 with proline.
Molecular consequence: missense variant.
Genome position (GRCh38, 1-based): chr11:2,585,296, T>C. VCF-style: chr11-2585296-T-C. GRCh37 (hg19) VCF-style: chr11-2606526-T-C.
Other names: c.1117T>C (LRG_287t1); c.847T>C, p.Ser283Pro (NM_001406837.1); c.736T>C, p.Ser246Pro (NM_181798.2); short protein forms S373P, S246P, S283P.
Identifiers: ClinVar variation 67012 (VCV000067012.3), dbSNP rs199472766, ClinGen allele CA005318.
Genomic context (GRCh38, chr11:2,585,296, plus strand): 5'-CTGAAGGTGCAGCAGAAGCAGAGGCAGAAGCACTTCAACCGGCAGATCCCGGCGGCAGCC[T>C]CACTCATTCAGGTGCGGTGCCTGCAAGGCCCTGGTCACTGTCATTTTGGTCACTGTTATT-3'
Protein context (NP_000209.2, residues 363-383): HFNRQIPAAA[Ser373Pro]LIQTAWRCYA